The following is an entry in ClinVar:

NM_016532.4(INPP5K):c.302T>C (p.Phe101Ser)

Gene: INPP5K (inositol polyphosphate-5-phosphatase K; minus strand). Cytogenetic location: 17p13.3.
Variant type: single nucleotide variant.
Coding change: c.302T>C on transcript NM_016532.4 (MANE Select); coding-DNA position 302, T replaced by C.
Protein change: p.Phe101Ser; replaces phenylalanine 101 with serine.
Molecular consequence: missense variant.
Genome position (GRCh38, 1-based): chr17:1,509,759, A>G on the plus strand (T>C on the coding strand, the complement: INPP5K is on the minus strand). VCF-style: chr17-1509759-A-G. GRCh37 (hg19) VCF-style: chr17-1413053-A-G.
Other names: c.74T>C, p.Phe25Ser (NM_001135642.2, NM_130766.3); short protein forms F101S, F25S.
Identifiers: ClinVar variation 1029611 (VCV001029611.3), dbSNP rs2075263105, ClinGen allele CA397547383.

ClinVar aggregate classification (germline): Conflicting classifications of pathogenicity. Review status: criteria provided, conflicting classifications (1 of 4 stars). 3 submissions from 2 submitters: Likely pathogenic (2); Uncertain significance (1). Last evaluated 2025-09-10.

Conditions:
Precursor Cell Lymphoblastic Leukemia-Lymphoma. Identifiers: MedGen C1961102.
Muscular dystrophy, congenital, with cataracts and impaired intellectual development. Also called: Congenital muscular dystrophy with cataracts and intellectual disability. Identifiers: Orphanet 662184, MedGen C4479410, MONDO:0024607, OMIM 617404.

Submissions (3):

Genomic Medicine Center of Excellence, King Faisal Specialist Hospital and Research Centre
Classification: Likely pathogenic for Precursor Cell Lymphoblastic Leukemia-Lymphoma. Last evaluated: 2025-09-10. Review status: criteria provided, single submitter. Criteria: ACMG Guidelines, 2015. Collection method: clinical testing. Allele origin: germline.

Genomic Medicine Center of Excellence, King Faisal Specialist Hospital and Research Centre
Classification: Likely pathogenic for Muscular dystrophy, congenital, with cataracts and impaired intellectual development. Last evaluated: 2024-12-17. Review status: criteria provided, single submitter. Criteria: ACMG Guidelines, 2015. Collection method: clinical testing. Allele origin: germline.

Baylor Genetics
Classification: Uncertain significance for Muscular dystrophy, congenital, with cataracts and impaired intellectual development. Last evaluated: 2020-05-05. Review status: criteria provided, single submitter. Criteria: ACMG Guidelines, 2015. Collection method: clinical testing. Allele origin: unknown. Affected: yes.
Comment: This variant was determined to be of uncertain significance according to ACMG Guidelines, 2015 [PMID:25741868].